The following is an entry in ClinVar:

NM_001430.5(EPAS1):c.2417C>T (p.Thr806Ile)

Gene: EPAS1 (endothelial PAS domain protein 1; plus strand). Cytogenetic location: 2p21.
Variant type: single nucleotide variant.
Coding change: c.2417C>T on transcript NM_001430.5 (MANE Select); coding-DNA position 2417, C replaced by T.
Protein change: p.Thr806Ile; replaces threonine 806 with isoleucine.
Molecular consequence: missense variant.
Genome position (GRCh38, 1-based): chr2:46,382,554, C>T. VCF-style: chr2-46382554-C-T. GRCh37 (hg19) VCF-style: chr2-46609693-C-T.
Other names: short protein forms T806I.
Identifiers: ClinVar variation 1790955 (VCV001790955.2), dbSNP rs748194018, ClinGen allele CA346706314.

ClinVar aggregate classification (germline): Uncertain significance (1 of 4 stars; one submission).

Conditions:
Inborn genetic diseases. Identifiers: MedGen C0950123, MeSH D030342.

Submission:

Ambry Genetics
Classification: Uncertain significance for Inborn genetic diseases. Last evaluated: 2022-07-01. Review status: criteria provided, single submitter. Criteria: Ambry Variant Classification Scheme 2023. Collection method: clinical testing. Allele origin: germline.
Comment: The p.T806I variant (also known as c.2417C>T), located in coding exon 15 of the EPAS1 gene, results from a C to T substitution at nucleotide position 2417. The threonine at codon 806 is replaced by isoleucine, an amino acid with similar properties. This amino acid position is conserved. In addition, this alteration is predicted to be tolerated by in silico analysis. Since supporting evidence is limited at this time, the clinical significance of this alteration remains unclear.